The following is an entry in ClinVar:

ClinVar aggregate classification (germline): Uncertain significance (1 of 4 stars; one submission).

Submission:

Greenwood Genetic Center Diagnostic Laboratories, Greenwood Genetic Center
Classification: Uncertain significance. Last evaluated: 2025-02-11. Review status: criteria provided, single submitter. Criteria: ACMG Guidelines, 2015. Collection method: clinical testing. Allele origin: germline.
Comment: PM2, PP2, PP3

NM_001083619.3(GRIA2):c.1226C>G (p.Ser409Cys)

Gene: GRIA2 (glutamate ionotropic receptor AMPA type subunit 2; plus strand). Cytogenetic location: 4q32.1.
Variant type: single nucleotide variant.
Coding change: c.1226C>G on transcript NM_001083619.3 (MANE Select); coding-DNA position 1226, C replaced by G.
Protein change: p.Ser409Cys; replaces serine 409 with cysteine.
Molecular consequence: missense variant.
Genome position (GRCh38, 1-based): chr4:157,334,080, C>G. VCF-style: chr4-157334080-C-G. GRCh37 (hg19) VCF-style: chr4-158255232-C-G.
Other names: c.1226C>G, p.Ser409Cys (NM_000826.6); c.1085C>G, p.Ser362Cys (NM_001083620.3, NM_001379000.3, NM_001379001.3); short protein forms S362C, S409C.
Identifiers: ClinVar variation 4851661 (VCV004851661.1).
Genomic context (GRCh38, chr4:157,334,080, plus strand): 5'-GGAGTGAAGTGGACAAAATGGTTGTTACCCTTACTGAGCTCCCTTCTGGAAATGACACCT[C>G]TGGGCTTGAGAATAAGACTGTTGTTGTCACCACAATTTTGGTAATTTGCTACATATGCCA-3'
Protein context (NP_001077088.2, residues 399-419): LTELPSGNDT[Ser409Cys]GLENKTVVVT